The following is an entry in ClinVar:

NM_017514.5(PLXNA3):c.2268T>G (p.His756Gln)

Gene: PLXNA3 (plexin A3; plus strand). Cytogenetic location: Xq28.
Variant type: single nucleotide variant.
Coding change: c.2268T>G on transcript NM_017514.5 (MANE Select); coding-DNA position 2268, T replaced by G.
Protein change: p.His756Gln; replaces histidine 756 with glutamine.
Molecular consequence: missense variant.
Genome position (GRCh38, 1-based): chrX:154,465,447, T>G. VCF-style: chrX-154465447-T-G. GRCh37 (hg19) VCF-style: chrX-153693790-T-G.
Other names: c.2268T>G (NM_017514.3); short protein forms H756Q.
Identifiers: ClinVar variation 3054020 (VCV003054020.3), dbSNP rs199982509, ClinGen allele CA10564332.

ClinVar aggregate classification (germline): Uncertain significance. Review status: criteria provided, single submitter (1 of 4 stars). 2 submissions from 2 submitters: Uncertain significance (1). 1 of the submissions does not count toward it. Last evaluated 2023-10-20.

Conditions:
PLXNA3-related disorder. Also called: PLXNA3-related condition.

Allele frequency attached by ClinVar (database versions not stated): ESP Exome Variant Server 0.00009; gnomAD 0.00013; ExAC 0.00018; TOPMed 0.00022; 1000 Genomes Project 0.00026; 1000 Genomes Project 30x 0.00042.
gnomAD v4.1: 187 of 1,204,188 alleles (0.016%); highest among the groups gnomAD compares: Middle Eastern, 0.14%; no homozygotes.

Submissions (2):

Ambry Genetics
Classification: Uncertain significance. Last evaluated: 2023-10-20. Review status: criteria provided, single submitter. Criteria: Ambry Variant Classification Scheme 2023. Collection method: clinical testing. Allele origin: germline.

PreventionGenetics, part of Exact Sciences
Classification: Likely benign for PLXNA3-related condition. Last evaluated: 2022-11-15. Review status: no assertion criteria provided. Collection method: clinical testing. Allele origin: germline. Not counted in ClinVar's aggregate classification.
Comment: This variant is classified as likely benign based on ACMG/AMP sequence variant interpretation guidelines (Richards et al. 2015 PMID: 25741868, with internal and published modifications).